The following is an entry in ClinVar:

GRCh38/hg38 1q41-42.12(chr1:223749425-224604271)x1

Genes: NVL (nuclear VCP like; minus strand), TP53BP2 (tumor protein p53 binding protein 2; minus strand), MIR320B2 (microRNA 320b-2; minus strand), MIR4742 (microRNA 4742; minus strand), CAPN2 (calpain 2; plus strand) and 37 more. Cytogenetic location: 1q41-42.12.
Variant type: copy number loss.
Change: copy number 1 (one copy instead of two) of chr1:223,749,425-224,604,271 (854.8 kb, GRCh38 coordinates, 1-based), cytogenetic band 1q41-42.12.
Identifiers: ClinVar variation 146036 (VCV000146036.1).

ClinVar aggregate classification (germline): no classifications from unflagged records (0 of 4 stars; one submission).

Submission:

GeneDx
Classification: Uncertain significance. Last evaluated: 2010-11-30. Review status: flagged submission. Collection method: clinical testing. Allele origin: unknown. Affected: yes. Observed: 1 variant allele.
ClinVar note: Notes: This submission was flagged because its interpretation of this variant conflicts with the ClinGen Gene Dosage Map curation for the gene WDR26.
ClinVar note: Reason: Conflict with ClinGen Gene Dosage Map